The following is an entry in ClinVar:

ClinVar aggregate classification (germline): Pathogenic/Likely pathogenic. Review status: criteria provided, multiple submitters, no conflicts (2 of 4 stars). 8 submissions from 8 submitters: Pathogenic (6); Likely pathogenic (1). 1 of the submissions does not count toward it. Last evaluated 2026-08-06.

Conditions:
Leukodystrophy, hypomyelinating, 3. Identifiers: Orphanet 280270, Orphanet 280293, MedGen C1850053, MONDO:0009843, OMIM 260600.
AIMP1-related disorder. Also called: AIMP1-related condition.

Submissions (8):

OLLIN Analises Genomicas, OLLIN
Classification: Pathogenic. Last evaluated: 2026-08-06. Review status: criteria provided, single submitter. Criteria: ACMG Guidelines 2015 PMID 25741868. Collection method: clinical testing. Allele origin: germline.
Comment: This frameshift variant, located in exon 3 (of 7), has been reported in ClinVar (accession VCV000590774.13), in gnomAD with an allele frequency of 0.0046%, and in the scientific literature, in compound heterozygosity, in individuals with AIMP1 related disorders (PMID: 30924036). This variant causes a frameshift and introduces a premature stop codon, which is predicted to result in either a truncated protein or degradation of the mRNA via nonsense-mediated decay (NMD). According to the currently available evidence, this variant has been classified as pathogenic (PVS1, PM2_P, PM3).

Labcorp Genetics (formerly Invitae), Labcorp
Classification: Pathogenic. Last evaluated: 2025-02-24. Review status: criteria provided, single submitter. Criteria: Invitae Variant Classification Sherloc (09022015). Collection method: clinical testing. Allele origin: germline.
Comment: This sequence change creates a premature translational stop signal (p.Lys54Asnfs*2) in the AIMP1 gene. It is expected to result in an absent or disrupted protein product. Loss-of-function variants in AIMP1 are known to be pathogenic (PMID: 21092922). This variant is present in population databases (rs750731609, gnomAD 0.009%). This premature translational stop signal has been observed in individual(s) with hypomyelinating leukodystrophy (PMID: 30924036). ClinVar contains an entry for this variant (Variation ID: 590774). For these reasons, this variant has been classified as Pathogenic.

GeneDx
Classification: Pathogenic. Last evaluated: 2024-10-31. Review status: criteria provided, single submitter. Criteria: GeneDx Variant Classification Process June 2021. Collection method: clinical testing. Allele origin: germline.
Comment: Frameshift variant predicted to result in protein truncation or nonsense mediated decay in a gene for which loss of function is a known mechanism of disease; This variant is associated with the following publications: (PMID: 31589614, 31980526, 30924036)

Blueprint Genetics
Classification: Likely pathogenic for AIMP1-related disorders. Last evaluated: 2024-09-11. Review status: criteria provided, single submitter. Criteria: ACMG Guidelines, 2015. Collection method: clinical testing. Allele origin: germline. Affected: yes. Observed: 5 variant alleles.

Women's Health and Genetics/Laboratory Corporation of America, LabCorp
Classification: Pathogenic for Leukodystrophy, hypomyelinating, 3. Last evaluated: 2024-08-20. Review status: criteria provided, single submitter. Criteria: LabCorp Variant Classification Summary - May 2015. Collection method: clinical testing. Allele origin: germline.
Comment: Variant summary: AIMP1 c.162delA (p.Lys54AsnfsX2) results in a premature termination codon, predicted to cause absence of the protein due to nonsense mediated decay, which is a commonly known mechanism for disease. The variant allele was found at a frequency of 3.2e-05 in 251190 control chromosomes (gnomAD). c.162delA has been reported in the literature in a homozygous individual affected with pontocerebellar hypoplasia.The following publication has been ascertained in the context of this evaluation (PMID: 30924036). ClinVar contains an entry for this variant (Variation ID: 590774). Based on the evidence outlined above, the variant was classified as pathogenic.

Mendelics
Classification: Pathogenic for Leukodystrophy, hypomyelinating, 3. Last evaluated: 2022-05-04. Review status: criteria provided, single submitter. Criteria: Mendelics Assertion Criteria 2019. Collection method: clinical testing. Allele origin: germline.

Core Molecular Diagnostic Lab, McGill University Health Centre
Classification: Pathogenic for Leukodystrophy, hypomyelinating 3. Last evaluated: 2018-11-08. Review status: criteria provided, single submitter. Criteria: ACMG Guidelines, 2015. Collection method: clinical testing. Allele origin: inherited. Inheritance: Autosomal recessive inheritance. Affected: yes and no. Observed: 5 variant alleles, 4 heterozygotes, 1 homozygote.

PreventionGenetics, part of Exact Sciences
Classification: Likely pathogenic for AIMP1-related condition. Last evaluated: 2024-08-20. Review status: no assertion criteria provided. Collection method: clinical testing. Allele origin: germline. Not counted in ClinVar's aggregate classification.
Comment: The AIMP1 c.162delA variant is predicted to result in a frameshift and premature protein termination (p.Lys54Asnfs*2). This variant was reported in the homozygous state in an individual with pontocerebellar hypoplasia (Accogli et al. 2019. PubMed ID: 30924036). This variant is reported in 0.0085% of alleles in individuals of Latino descent in gnomAD. Frameshift variants in AIMP1 are expected to be pathogenic. This variant is interpreted as likely pathogenic.

Literature cited by the submitters: PubMed 30924036 (cited by 3 submitters); PubMed 21092922 (cited by Labcorp Genetics (formerly Invitae), Labcorp).

NM_001142416.2(AIMP1):c.162del (p.Lys54fs)

Gene: AIMP1 (aminoacyl tRNA synthetase complex interacting multifunctional protein 1; plus strand). Cytogenetic location: 4q24.
Variant type: Deletion.
Coding change: c.162del on transcript NM_001142416.2 (MANE Select); coding-DNA position 162, one base deleted (A; older notation c.162delA).
Protein change: p.Lys54fs; shifts the reading frame from lysine 54.
Molecular consequence: frameshift variant.
Genome position (GRCh38, 1-based): chr4:106,327,503, A deleted; the last of 3 consecutive A bases (chr4:106,327,501-106,327,503); deleting any one gives the same sequence. VCF-style (leftmost placement, unchanged base first): chr4-106327500-TA-T. GRCh37 (hg19) VCF-style: chr4-107248657-TA-T.
Other names: c.162delA (NM_001142415.1, NM_004757.3, NM_004757.4); c.162del, p.Lys54fs (NM_001142415.2, NM_004757.4); short protein forms K54fs.
Identifiers: ClinVar variation 590774 (VCV000590774.16), dbSNP rs750731609, ClinGen allele CA3035639.
Genomic context (GRCh38, chr4:106,327,500, plus strand): 5'-CTTGATCCTAGTTTTGCAGGCAACTTTGAGGGAAGAGAAGAAACTTCGAGTTGAAAATGC[TA>T]AACTGAAGAAAGAAATTGAAGAACTGAAACAAGAGCTAATTCAGGCAGAAATTCAAAATG-3'